The following is an entry in ClinVar:

ClinVar aggregate classification (germline): Benign/Likely benign. Review status: criteria provided, multiple submitters, no conflicts (2 of 4 stars). 6 submissions from 6 submitters: Benign (2); Likely benign (4). Last evaluated 2026-02-02.

Conditions:
Left ventricular noncompaction 8 (LVNC8). Identifiers: Orphanet 154, Orphanet 54260, MedGen C3809288, MONDO:0014152, OMIM 615373.

Allele frequency attached by ClinVar (database versions not stated): ExAC 0.00013; 1000 Genomes Project 30x 0.00031; ESP Exome Variant Server 0.00031; gnomAD 0.00037 and 0.00040; TOPMed 0.00037; 1000 Genomes Project 0.00040.
gnomAD v4.1: 176 of 1,612,880 alleles (0.011%); highest among the groups gnomAD compares: African/African-American, 0.13%; no homozygotes.

Submissions (6):

Labcorp Genetics (formerly Invitae), Labcorp
Classification: Benign for Left ventricular noncompaction 8. Last evaluated: 2026-02-02. Review status: criteria provided, single submitter. Criteria: Invitae Variant Classification Sherloc (09022015). Collection method: clinical testing. Allele origin: germline.

Mayo Clinic Laboratories, Mayo Clinic
Classification: Likely benign. Last evaluated: 2024-12-31. Review status: criteria provided, single submitter. Criteria: ACMG Guidelines, 2015. Collection method: clinical testing. Allele origin: germline. Observed: 2 variant alleles.
Comment: BS1, BP4, BP7

Women's Health and Genetics/Laboratory Corporation of America, LabCorp
Classification: Benign. Last evaluated: 2024-11-10. Review status: criteria provided, single submitter. Criteria: LabCorp Variant Classification Summary - May 2015. Collection method: clinical testing. Allele origin: germline.

Blueprint Genetics
Classification: Likely benign. Last evaluated: 2024-11-08. Review status: criteria provided, single submitter. Criteria: ACMG Guidelines, 2015. Collection method: clinical testing. Allele origin: germline.

GeneDx
Classification: Likely benign. Last evaluated: 2020-12-14. Review status: criteria provided, single submitter. Criteria: GeneDx Variant Classification Process June 2021. Collection method: clinical testing. Allele origin: germline. Affected: yes.

Laboratory for Molecular Medicine, Mass General Brigham Personalized Medicine
Classification: Likely benign. Last evaluated: 2016-05-06. Review status: criteria provided, single submitter. Criteria: LMM Criteria. Collection method: clinical testing. Allele origin: germline. Observed: 1 variant allele.
Comment: p.Ala34Ala in exon 2 of PRDM16: This variant is not expected to have clinical si gnificance because it does not alter an amino acid residue and is not located wi thin the splice consensus sequence. It has been identified in 0.1% (11/9332) of African chromosomes by the Exome Aggregation Consortium (ExAC; dbSNP rs374918897).

NM_022114.4(PRDM16):c.102G>A (p.Ala34=)

Gene: PRDM16 (PR/SET domain 16; plus strand). Cytogenetic location: 1p36.32.
Variant type: single nucleotide variant.
Coding change: c.102G>A on transcript NM_022114.4 (MANE Select); coding-DNA position 102, G replaced by A.
Protein change: p.Ala34=; no amino-acid change (alanine 34 retained).
Molecular consequence: synonymous variant.
Genome position (GRCh38, 1-based): chr1:3,186,189, G>A. VCF-style: chr1-3186189-G-A. GRCh37 (hg19) VCF-style: chr1-3102753-G-A.
Other names: p.Ala34=; c.102G>A, p.Ala34= (NM_199454.3).
Identifiers: ClinVar variation 474401 (VCV000474401.22), dbSNP rs374918897, ClinGen allele CA543702.